The following is an entry in ClinVar:

ClinVar aggregate classification (germline): Uncertain significance. Review status: criteria provided, multiple submitters, no conflicts (2 of 4 stars). 2 submissions from 2 submitters: Uncertain significance (2). Last evaluated 2023-02-11.

Conditions:
Infantile-onset X-linked spinal muscular atrophy. Also called: SPINAL MUSCULAR ATROPHY, X-LINKED LETHAL INFANTILE; Spinal muscular atrophy, X-linked 2; AMC, DISTAL, X-LINKED; ARTHROGRYPOSIS, X-LINKED, TYPE I; Spinal Muscular Atrophy, X-Linked Infantile. Identifiers: Orphanet 1145, MedGen C1844934, MONDO:0010532, OMIM 301830.
VEXAS syndrome. Identifiers: Orphanet 596753, MedGen C5435753, MONDO:0026777, OMIM 301054.

Allele frequency attached by ClinVar (database versions not stated): gnomAD exomes below 0.00001.
gnomAD v4.1: 3 of 1,212,115 alleles (0.00025%); highest among the groups gnomAD compares: Non-Finnish European, 0.00022%; no homozygotes.

Submissions (2):

Labcorp Genetics (formerly Invitae), Labcorp
Classification: Uncertain significance for Infantile-onset X-linked spinal muscular atrophy. Last evaluated: 2023-02-11. Review status: criteria provided, single submitter. Criteria: Invitae Variant Classification Sherloc (09022015). Collection method: clinical testing. Allele origin: germline.
Comment: In summary, the available evidence is currently insufficient to determine the role of this variant in disease. Therefore, it has been classified as a Variant of Uncertain Significance. Algorithms developed to predict the effect of missense changes on protein structure and function are either unavailable or do not agree on the potential impact of this missense change (SIFT: "Deleterious"; PolyPhen-2: "Probably Damaging"; Align-GVGD: "Class C0"). This variant has not been reported in the literature in individuals affected with UBA1-related conditions. This variant is present in population databases (no rsID available, gnomAD 0.008%). This sequence change replaces valine, which is neutral and non-polar, with methionine, which is neutral and non-polar, at codon 707 of the UBA1 protein (p.Val707Met).

Department of Pathology and Laboratory Medicine, Sinai Health System
Classification: Uncertain significance for VEXAS syndrome; Infantile-onset X-linked spinal muscular atrophy. Last evaluated: 2021-12-06. Review status: criteria provided, single submitter. Criteria: ACMG Guidelines, 2015. Collection method: research. Allele origin: germline.

NM_003334.4(UBA1):c.2119G>A (p.Val707Met)

Gene: UBA1 (ubiquitin like modifier activating enzyme 1; plus strand). Cytogenetic location: Xp11.3.
Variant type: single nucleotide variant.
Coding change: c.2119G>A on transcript NM_003334.4 (MANE Select); coding-DNA position 2119, G replaced by A.
Protein change: p.Val707Met; replaces valine 707 with methionine.
Molecular consequence: missense variant.
Genome position (GRCh38, 1-based): chrX:47,210,043, G>A. VCF-style: chrX-47210043-G-A. GRCh37 (hg19) VCF-style: chrX-47069442-G-A.
Other names: c.2119G>A, p.Val707Met (NM_153280.3); short protein forms V707M.
Identifiers: ClinVar variation 2901903 (VCV002901903.4), dbSNP rs1556792891, ClinGen allele CA412806945.